The following is an entry in ClinVar:

NM_001008212.2(OPTN):c.425A>C (p.Gln142Pro)

Gene: OPTN (optineurin; plus strand). Cytogenetic location: 10p13.
Variant type: single nucleotide variant.
Coding change: c.425A>C on transcript NM_001008212.2 (MANE Select); coding-DNA position 425, A replaced by C.
Protein change: p.Gln142Pro; replaces glutamine 142 with proline.
Molecular consequence: missense variant.
Genome position (GRCh38, 1-based): chr10:13,112,508, A>C. VCF-style: chr10-13112508-A-C. GRCh37 (hg19) VCF-style: chr10-13154508-A-C.
Other names: c.425A>C, p.Gln142Pro (NM_001008211.1, NM_001008213.1, NM_021980.4); short protein forms Q142P.
Identifiers: ClinVar variation 299211 (VCV000299211.37), dbSNP rs757411888, ClinGen allele CA5410621.
Genomic context (GRCh38, chr10:13,112,508, plus strand): 5'-TCCAGGACCCCACTGATGACTCCAGGCTTCCCAGGGCCGAAGCGGAGCAGGAAAAGGACC[A>C]GCTCAGGACCCAGGTGGTGAGGCTACAAGCAGAGAAGGCAGACCTGTTGGGCATCGTGTC-3'
Protein context (NP_001008213.1, residues 132-152): PRAEAEQEKD[Gln142Pro]LRTQVVRLQA

ClinVar aggregate classification (germline): Uncertain significance. Review status: criteria provided, multiple submitters, no conflicts (2 of 4 stars). 5 submissions from 4 submitters: Uncertain significance (5). Last evaluated 2025-09-23.

Conditions:
Inborn genetic diseases. Identifiers: MedGen C0950123, MeSH D030342.
Amyotrophic lateral sclerosis type 12 (ALS12). Also called: AMYOTROPHIC LATERAL SCLEROSIS 12 WITH OR WITHOUT FRONTOTEMPORAL DEMENTIA. Identifiers: Orphanet 803, MedGen C3150692, MONDO:0013264, OMIM 613435.
Glaucoma 1, open angle, E. Identifiers: MedGen C1842026, MONDO:0007665.
Primary open angle glaucoma (POAG). Also called: OPTN-related open angle glaucoma. Identifiers: MedGen C0339573, MONDO:0100553, OMIM 137760.

Allele frequency attached by ClinVar (database versions not stated): gnomAD exomes below 0.00001 and 0.00001; ExAC 0.00001; TOPMed 0.00002; gnomAD 0.00004.
gnomAD v4.1: 13 of 1,614,008 alleles (0.00081%); highest among the groups gnomAD compares: Non-Finnish European, 0.001%; no homozygotes.

Submissions (5):

Labcorp Genetics (formerly Invitae), Labcorp
Classification: Uncertain significance for Primary open angle glaucoma; Glaucoma 1, open angle, E; Amyotrophic lateral sclerosis type 12. Last evaluated: 2025-09-23. Review status: criteria provided, single submitter. Criteria: Invitae Variant Classification Sherloc (09022015). Collection method: clinical testing. Allele origin: germline.
Comment: This sequence change replaces glutamine, which is neutral and polar, with proline, which is neutral and non-polar, at codon 142 of the OPTN protein (p.Gln142Pro). This variant is present in population databases (rs757411888, gnomAD 0.0009%). This variant has not been reported in the literature in individuals affected with OPTN-related conditions. ClinVar contains an entry for this variant (Variation ID: 299211). Invitae Evidence Modeling of protein sequence and biophysical properties (such as structural, functional, and spatial information, amino acid conservation, physicochemical variation, residue mobility, and thermodynamic stability) has been performed for this missense variant. However, the output from this modeling did not meet the statistical confidence thresholds required to predict the impact of this variant on OPTN protein function. In summary, the available evidence is currently insufficient to determine the role of this variant in disease. Therefore, it has been classified as a Variant of Uncertain Significance.

CeGaT Center for Human Genetics Tuebingen
Classification: Uncertain significance. Last evaluated: 2024-07-01. Review status: criteria provided, single submitter. Criteria: CeGaT Center For Human Genetics Tuebingen Variant Classification Criteria Version 2. Collection method: clinical testing. Allele origin: germline. Affected: yes. Observed: 1 variant allele.
Comment: OPTN: PM2

Ambry Genetics
Classification: Uncertain significance for Inborn genetic diseases. Last evaluated: 2022-08-03. Review status: criteria provided, single submitter. Criteria: Ambry Variant Classification Scheme 2023. Collection method: clinical testing. Allele origin: germline.
Comment: The p.Q142P variant (also known as c.425A>C), located in coding exon 3 of the OPTN gene, results from an A to C substitution at nucleotide position 425. The glutamine at codon 142 is replaced by proline, an amino acid with similar properties. This variant was reported in one individual with primary open-angle glaucoma (Alward WL et al. Am J Ophthalmol, 2003 Nov;136:904-10). This amino acid position is well conserved in available vertebrate species. In addition, the in silico prediction for this alteration is inconclusive. Since supporting evidence is limited at this time, the clinical significance of this alteration remains unclear.

Illumina Laboratory Services, Illumina
Classification: Uncertain significance for Primary open angle glaucoma. Last evaluated: 2018-01-13. Review status: criteria provided, single submitter. Criteria: ICSL Variant Classification Criteria 13 December 2019. Collection method: clinical testing. Allele origin: germline.

Illumina Laboratory Services, Illumina
Classification: Uncertain significance for Amyotrophic lateral sclerosis type 12. Last evaluated: 2018-01-13. Review status: criteria provided, single submitter. Criteria: ICSL Variant Classification Criteria 13 December 2019. Collection method: clinical testing. Allele origin: germline.

Literature cited by the submitters: PubMed 14597044 (cited by Ambry Genetics).